The following is an entry in ClinVar:

NM_004304.5(ALK):c.448A>G (p.Ile150Val)

Gene: ALK (ALK receptor tyrosine kinase; minus strand). Cytogenetic location: 2p23.1.
Variant type: single nucleotide variant.
Coding change: c.448A>G on transcript NM_004304.5 (MANE Select); coding-DNA position 448, A replaced by G.
Protein change: p.Ile150Val; replaces isoleucine 150 with valine.
Molecular consequence: missense variant.
Genome position (GRCh38, 1-based): chr2:29,920,212, T>C on the plus strand (A>G on the coding strand, the complement: ALK is on the minus strand). VCF-style: chr2-29920212-T-C. GRCh37 (hg19) VCF-style: chr2-30143078-T-C.
Other names: short protein forms I150V.
Identifiers: ClinVar variation 4039918 (VCV004039918.2).

ClinVar aggregate classification (germline): Conflicting classifications of pathogenicity. Review status: criteria provided, conflicting classifications (1 of 4 stars). 2 submissions from 2 submitters: Uncertain significance (1); Likely benign (1). Last evaluated 2025-03-27.

Conditions:
Hereditary cancer-predisposing syndrome. Also called: Neoplastic Syndromes, Hereditary; Tumor predisposition; Hereditary Cancer Syndrome; Hereditary neoplastic syndrome. Identifiers: Orphanet 140162, MedGen C0027672, MeSH D009386, MONDO:0015356.
Neuroblastoma, susceptibility to, 3. Also called: ALK-Related Neuroblastic Tumor Susceptibility. Identifiers: Orphanet 635, MedGen C2751681, MONDO:0013083, OMIM 613014.

Submissions (2):

Ambry Genetics
Classification: Likely benign for Hereditary cancer-predisposing syndrome. Last evaluated: 2025-03-27. Review status: criteria provided, single submitter. Criteria: Ambry Variant Classification Scheme 2023. Collection method: clinical testing. Allele origin: germline.

Labcorp Genetics (formerly Invitae), Labcorp
Classification: Uncertain significance for Neuroblastoma, susceptibility to, 3. Last evaluated: 2025-03-19. Review status: criteria provided, single submitter. Criteria: Invitae Variant Classification Sherloc (09022015). Collection method: clinical testing. Allele origin: germline.
Comment: This sequence change replaces isoleucine, which is neutral and non-polar, with valine, which is neutral and non-polar, at codon 150 of the ALK protein (p.Ile150Val). This variant is present in population databases (no rsID available, gnomAD 0.0009%). This variant has not been reported in the literature in individuals affected with ALK-related conditions. An algorithm developed to predict the effect of missense changes on protein structure and function outputs the following: PolyPhen-2: "Benign". The valine amino acid residue is found in multiple mammalian species, which suggests that this missense change does not adversely affect protein function. In summary, the available evidence is currently insufficient to determine the role of this variant in disease. Therefore, it has been classified as a Variant of Uncertain Significance.